The following is an entry in ClinVar:

NM_000093.5(COL5A1):c.278-1G>T

Gene: COL5A1 (collagen type V alpha 1 chain; plus strand). Cytogenetic location: 9q34.3.
Variant type: single nucleotide variant.
Coding change: c.278-1G>T on transcript NM_000093.5 (MANE Select); the canonical splice acceptor site of the intron before coding-DNA position 278, G replaced by T.
Molecular consequence: splice acceptor variant.
Genome position (GRCh38, 1-based): chr9:134,699,908, G>T. VCF-style: chr9-134699908-G-T. GRCh37 (hg19) VCF-style: chr9-137591754-G-T.
Other names: c.278-1G>T (NM_001278074.1).
Identifiers: ClinVar variation 2921262 (VCV002921262.2), dbSNP rs2491263327, ClinGen allele CA375442238.

ClinVar aggregate classification (germline): Likely pathogenic (1 of 4 stars; one submission).

Conditions:
Ehlers-Danlos syndrome, classic type, 1 (EDSCL1). Also called: EDS I; EHLERS-DANLOS SYNDROME, GRAVIS TYPE; EHLERS-DANLOS SYNDROME, SEVERE CLASSIC TYPE; Ehlers-Danlos syndrome, type 1; Ehlers-Danlos Syndrome, Classic Type, COL5A1-Related. Identifiers: MedGen C0268335, MONDO:0019567, OMIM 130000.

Submission:

MVZ Dr. Eberhard & Partner Dortmund
Classification: Likely pathogenic for Ehlers-Danlos syndrome, classic type, 1. Last evaluated: 2024-02-14. Review status: criteria provided, single submitter. Criteria: ACMG Guidelines, 2015. Collection method: clinical testing. Allele origin: unknown. Inheritance: Autosomal dominant inheritance. Affected: yes. Observed: 1 heterozygote.
Comment: The variant c.278-1G>T has not yet been described in the literature and is not found in control groups of different ethnicities. It is located in the splice acceptor site of intron 2 and affects the 100% conserved nucleotide at position -1, so that a splicing defect can be assumed.